The following is an entry in ClinVar:

NM_002439.5(MSH3):c.2488A>C (p.Thr830Pro)

Gene: MSH3 (mutS homolog 3; plus strand). Cytogenetic location: 5q14.1.
Variant type: single nucleotide variant.
Coding change: c.2488A>C on transcript NM_002439.5 (MANE Select); coding-DNA position 2488, A replaced by C.
Protein change: p.Thr830Pro; replaces threonine 830 with proline.
Molecular consequence: missense variant.
Genome position (GRCh38, 1-based): chr5:80,787,617, A>C. VCF-style: chr5-80787617-A-C. GRCh37 (hg19) VCF-style: chr5-80083436-A-C.
Other names: short protein forms T830P.
Identifiers: ClinVar variation 5024778 (VCV005024778.1).

ClinVar aggregate classification (germline): Uncertain significance (1 of 4 stars; one submission).

Conditions:
Hereditary cancer-predisposing syndrome. Also called: Neoplastic Syndromes, Hereditary; Tumor predisposition; Hereditary neoplastic syndrome; Hereditary Cancer Syndrome. Identifiers: Orphanet 140162, MedGen C0027672, MeSH D009386, MONDO:0015356.

Submission:

Ambry Genetics
Classification: Uncertain significance for Hereditary cancer-predisposing syndrome. Last evaluated: 2026-07-06. Review status: criteria provided, single submitter. Criteria: Ambry Variant Classification Scheme 2023. Collection method: clinical testing. Allele origin: germline.
Comment: The p.T830P variant (also known as c.2488A>C), located in coding exon 18 of the MSH3 gene, results from an A to C substitution at nucleotide position 2488. The threonine at codon 830 is replaced by proline, an amino acid with highly similar properties. This amino acid position is conserved. In addition, this alteration is predicted to be deleterious by in silico analysis. Based on the available evidence, the clinical significance of this variant remains unclear.